The following is an entry in ClinVar:

NM_018486.3(HDAC8):c.815A>G (p.Asp272Gly)

Gene: HDAC8 (histone deacetylase 8; minus strand). Cytogenetic location: Xq13.1.
Variant type: single nucleotide variant.
Coding change: c.815A>G on transcript NM_018486.3 (MANE Select); coding-DNA position 815, A replaced by G.
Protein change: p.Asp272Gly; replaces aspartic acid 272 with glycine.
Molecular consequence: missense variant. On other transcripts: non-coding transcript variant (1).
Genome position (GRCh38, 1-based): chrX:72,464,654, T>C on the plus strand (A>G on the coding strand, the complement: HDAC8 is on the minus strand). VCF-style: chrX-72464654-T-C. GRCh37 (hg19) VCF-style: chrX-71684504-T-C.
Other names: c.542A>G, p.Asp181Gly (NM_001166418.2, NM_001410728.1); c.815A>G, p.Asp272Gly (NM_001410725.1, NM_001410729.1); c.737A>G, p.Asp246Gly (NM_001410727.1); short protein forms D181G, D246G, D272G.
Identifiers: ClinVar variation 3370625 (VCV003370625.1).

ClinVar aggregate classification (germline): Uncertain significance (1 of 4 stars; one submission).

Submission:

GeneDx
Classification: Uncertain significance. Last evaluated: 2024-03-06. Review status: criteria provided, single submitter. Criteria: GeneDx Variant Classification Process June 2021. Collection method: clinical testing. Allele origin: germline. Affected: yes.
Comment: Not observed at significant frequency in large population cohorts (gnomAD); In silico analysis supports that this missense variant has a deleterious effect on protein structure/function; Has not been previously published as pathogenic or benign to our knowledge